The following is an entry in ClinVar:

NM_001367916.1(MAGT1):c.216C>G (p.Tyr72Ter)

Gene: MAGT1 (magnesium transporter 1; minus strand). Cytogenetic location: Xq21.1.
Variant type: single nucleotide variant.
Coding change: c.216C>G on transcript NM_001367916.1 (MANE Select); coding-DNA position 216, C replaced by G.
Protein change: p.Tyr72Ter; replaces tyrosine 72 with a stop codon.
Molecular consequence: nonsense.
Genome position (GRCh38, 1-based): chrX:77,875,484, G>C on the plus strand (C>G on the coding strand, the complement: MAGT1 is on the minus strand). VCF-style: chrX-77875484-G-C. GRCh37 (hg19) VCF-style: chrX-77130981-G-C.
Other names: c.312C>G, p.Tyr104Ter (NM_032121.5); short protein forms Y104*, Y72*.
Identifiers: ClinVar variation 4875217 (VCV004875217.2).
Genomic context (GRCh38, chrX:77,875,484, plus strand): 5'-ATACTTGCAAACGACACACTGTCTATGCAGTTGGAGAGCAGTGAACATGACGATAACGGA[G>C]TAATTTCTCGGTGGGGCTTTCACAAGGCGACGGAACTTGTCTCCATTCATTCTTATTACA-3'

ClinVar aggregate classification (germline): Pathogenic (1 of 4 stars; one submission).

Submission:

CeGaT Center for Human Genetics Tuebingen
Classification: Pathogenic. Last evaluated: 2026-06-01. Review status: criteria provided, single submitter. Criteria: CeGaT Center For Human Genetics Tuebingen Variant Classification Criteria Version 2. Collection method: clinical testing. Allele origin: germline. Affected: yes. Observed: 1 variant allele.
Comment: MAGT1: PVS1, PM2